The following is an entry in ClinVar:

NM_001032386.2(SUOX):c.890G>A (p.Arg297Gln)

Gene: SUOX (sulfite oxidase; plus strand). Cytogenetic location: 12q13.2.
Variant type: single nucleotide variant.
Coding change: c.890G>A on transcript NM_001032386.2 (MANE Select); coding-DNA position 890, G replaced by A.
Protein change: p.Arg297Gln; replaces arginine 297 with glutamine.
Molecular consequence: missense variant.
Genome position (GRCh38, 1-based): chr12:56,004,279, G>A. VCF-style: chr12-56004279-G-A. GRCh37 (hg19) VCF-style: chr12-56398063-G-A.
Other names: c.890G>A, p.Arg297Gln (NM_000456.3, NM_001032387.2); short protein forms R297Q.
Identifiers: ClinVar variation 862847 (VCV000862847.5), dbSNP rs764275182, ClinGen allele CA6621060.
Genomic context (GRCh38, chr12:56,004,279, plus strand): 5'-AAGTAAAAGGTCTGGAGTGGAGAACAGGAGCCATCAGCACTGCACGCTGGGCTGGGGCAC[G>A]GCTCTGTGATGTGTTAGCCCAGGCTGGCCACCAACTCTGTGAAACTGAGGCCCACGTCTG-3'
Protein context (NP_001027558.1, residues 287-307): AISTARWAGA[Arg297Gln]LCDVLAQAGH

ClinVar aggregate classification (germline): Uncertain significance (1 of 4 stars; one submission).

Conditions:
Sulfite oxidase deficiency. Also called: Isolated sulfite oxidase deficiency. Identifiers: Orphanet 833, Orphanet 99731, MedGen C0268624, MONDO:0010089, OMIM 272300, HP:0003643.

Allele frequency attached by ClinVar (database versions not stated): ExAC 0.00001; gnomAD exomes 0.00001; gnomAD 0.00002; TOPMed 0.00003.
gnomAD v4.1: 51 of 1,613,950 alleles (0.0032%); highest among the groups gnomAD compares: Non-Finnish European, 0.0032%; no homozygotes.

Submission:

Labcorp Genetics (formerly Invitae), Labcorp
Classification: Uncertain significance for Sulfite oxidase deficiency. Last evaluated: 2022-08-02. Review status: criteria provided, single submitter. Criteria: Invitae Variant Classification Sherloc (09022015). Collection method: clinical testing. Allele origin: germline.
Comment: This sequence change replaces arginine, which is basic and polar, with glutamine, which is neutral and polar, at codon 297 of the SUOX protein (p.Arg297Gln). This variant is present in population databases (rs764275182, gnomAD 0.02%). This variant has not been reported in the literature in individuals affected with SUOX-related conditions. ClinVar contains an entry for this variant (Variation ID: 862847). Algorithms developed to predict the effect of missense changes on protein structure and function are either unavailable or do not agree on the potential impact of this missense change (SIFT: "Deleterious"; PolyPhen-2: "Probably Damaging"; Align-GVGD: "Class C0"). Algorithms developed to predict the effect of sequence changes on RNA splicing suggest that this variant may create or strengthen a splice site. In summary, the available evidence is currently insufficient to determine the role of this variant in disease. Therefore, it has been classified as a Variant of Uncertain Significance.